The following is an entry in ClinVar:

ClinVar aggregate classification (germline): Pathogenic. Review status: criteria provided, multiple submitters, no conflicts (2 of 4 stars). 5 submissions from 5 submitters: Pathogenic (5). Last evaluated 2025-08-25.

Conditions:
KCNH2-related disorder. Also called: KCNH2-related condition; KCNH2-related disorders.
Cardiovascular phenotype. Identifiers: MedGen CN230736.
Long QT syndrome (LQTS). Identifiers: MedGen C0023976, MeSH D008133, MONDO:0002442. Disease mechanism: loss of function. Inheritance: Various modes of inheritance.
Long QT syndrome 2 (LQT2). Identifiers: Orphanet 101016, Orphanet 768, MedGen C3150943, MONDO:0013367, OMIM 613688.

Submissions (5):

Labcorp Genetics (formerly Invitae), Labcorp
Classification: Pathogenic for Long QT syndrome. Last evaluated: 2025-08-25. Review status: criteria provided, single submitter. Criteria: Invitae Variant Classification Sherloc (09022015). Collection method: clinical testing. Allele origin: germline.
Comment: This sequence change creates a premature translational stop signal (p.Thr152Profs*14) in the KCNH2 gene. It is expected to result in an absent or disrupted protein product. Loss-of-function variants in KCNH2 are known to be pathogenic (PMID: 10973849, 19862833). The frequency data for this variant in the population databases is considered unreliable, as metrics indicate poor data quality at this position in the gnomAD database. This premature translational stop signal has been observed in individual(s) with long QT syndrome (PMID: 10483966, 24015048, 29622001). It has also been observed to segregate with disease in related individuals. ClinVar contains an entry for this variant (Variation ID: 200598). For these reasons, this variant has been classified as Pathogenic.

Ambry Genetics
Classification: Pathogenic for Cardiovascular phenotype. Last evaluated: 2025-08-12. Review status: criteria provided, single submitter. Criteria: Ambry Variant Classification Scheme 2023. Collection method: clinical testing. Allele origin: germline.
Comment: The c.453delC pathogenic mutation, located in coding exon 3 of the KCNH2 gene, results from a deletion of one nucleotide at nucleotide position 453, causing a translational frameshift with a predicted alternate stop codon (p.T152Pfs*14). This variant was identified in one or more individuals with features consistent with long QT syndrome and segregated with disease in at least one family (Swan H et al. J. Am. Coll. Cardiol., 1999 Sep;34:823-9; Fodstad H et al. Ann. Med., 2004;36 Suppl 1:53-63; Park JK et al. J. Korean Med. Sci., 2013 Sep;28:1388-93). This alteration is expected to result in loss of function by premature protein truncation or nonsense-mediated mRNA decay. As such, this alteration is interpreted as a disease-causing mutation.

Blueprint Genetics
Classification: Pathogenic for KCNH2-related disorders. Last evaluated: 2023-05-23. Review status: criteria provided, single submitter. Criteria: ACMG Guidelines, 2015. Collection method: clinical testing. Allele origin: germline. Affected: yes. Observed: 3 variant alleles.

GeneDx
Classification: Pathogenic. Last evaluated: 2022-05-26. Review status: criteria provided, single submitter. Criteria: GeneDx Variant Classification Process June 2021. Collection method: clinical testing. Allele origin: germline. Affected: yes.
Comment: Frameshift variant predicted to result in protein truncation or nonsense mediated decay in a gene for which loss of function is a known mechanism of disease; Not observed at significant frequency in large population cohorts (gnomAD); This variant is associated with the following publications: (PMID: 26669661, 10862094, 15176425, 24015048, 24606995, 23098067, 26063740, 29622001, 32383558, 32048431, 10483966)

MVZ Martinsried, Medicover Genetics
Classification: Pathogenic for Long QT syndrome 2. Last evaluated: 2020-04-02. Review status: criteria provided, single submitter. Criteria: ACGS Guidelines, 2020. Collection method: clinical testing. Allele origin: unknown. Affected: yes.

Literature cited by the submitters: PubMed 10973849 (cited by Labcorp Genetics (formerly Invitae), Labcorp); PubMed 19862833 (cited by Labcorp Genetics (formerly Invitae), Labcorp); PubMed 10483966 (cited by Labcorp Genetics (formerly Invitae), Labcorp and Ambry Genetics); PubMed 24015048 (cited by Labcorp Genetics (formerly Invitae), Labcorp and Ambry Genetics); PubMed 29622001 (cited by Labcorp Genetics (formerly Invitae), Labcorp); PubMed 10862094 (cited by Ambry Genetics); PubMed 15176425 (cited by Ambry Genetics); PubMed 23098067 (cited by Ambry Genetics); PubMed 24606995 (cited by Ambry Genetics); PubMed 26063740 (cited by Ambry Genetics).

NM_000238.4(KCNH2):c.453del (p.Thr152fs)

Gene: KCNH2 (potassium voltage-gated channel subfamily H member 2; minus strand). Cytogenetic location: 7q36.1.
Variant type: Deletion.
Coding change: c.453del on transcript NM_000238.4 (MANE Select); coding-DNA position 453, one base deleted (C; older notation c.453delC).
Protein change: p.Thr152fs; shifts the reading frame from threonine 152.
Molecular consequence: frameshift variant.
Genome position (GRCh38, 1-based): chr7:150,959,591, G deleted on the plus strand (C on the coding strand, the reverse complement: KCNH2 is on the minus strand); the first of 7 consecutive G bases (chr7:150,959,591-150,959,597); deleting any one gives the same sequence. VCF-style (leftmost placement, unchanged base first): chr7-150959590-TG-T. GRCh37 (hg19) VCF-style: chr7-150656678-TG-T.
Other names: c.159delC, p.Thr56Profs (NM_001406753.1, NM_001406756.1); c.270delC, p.Thr93Profs (NM_001406755.1); c.147delC, p.Thr52Profs (NM_001406757.1); c.447delC, p.Thr152Profs (NM_172056.3); c.453delC (NM_000238.2, NM_000238.3); short protein forms T152fs.
Identifiers: ClinVar variation 200598 (VCV000200598.21), dbSNP rs761863251, ClinGen allele CA008472.